The following is an entry in ClinVar:

NM_207346.3(TSEN54):c.469-182G>A

Gene: TSEN54 (tRNA splicing endonuclease subunit 54; plus strand). Cytogenetic location: 17q25.1.
Variant type: single nucleotide variant.
Coding change: c.469-182G>A on transcript NM_207346.3 (MANE Select); 182 bases into the intron before coding-DNA position 469, G replaced by A.
Molecular consequence: intron variant.
Genome position (GRCh38, 1-based): chr17:75,518,813, G>A. VCF-style: chr17-75518813-G-A. GRCh37 (hg19) VCF-style: chr17-73514894-G-A.
Identifiers: ClinVar variation 672585 (VCV000672585.1), dbSNP rs150137481, ClinGen allele CA294077028.

ClinVar aggregate classification (germline): Likely benign (1 of 4 stars; one submission).

Allele frequency attached by ClinVar (database versions not stated): 1000 Genomes Project 30x 0.02092; 1000 Genomes Project 0.02137; TOPMed 0.02460; gnomAD 0.02584 and 0.02646; gnomAD exomes 0.03108.

Submission:

GeneDx
Classification: Likely benign. Last evaluated: 2018-06-19. Review status: criteria provided, single submitter. Criteria: GeneDx Variant Classification (06012015). Collection method: clinical testing. Allele origin: germline. Affected: yes.
Comment: This variant is considered likely benign or benign based on one or more of the following criteria: it is a conservative change, it occurs at a poorly conserved position in the protein, it is predicted to be benign by multiple in silico algorithms, and/or has population frequency not consistent with disease.